The following is an entry in ClinVar:

ClinVar aggregate classification (germline): Uncertain significance (1 of 4 stars; one submission).

Conditions:
Autism spectrum disorder due to AUTS2 deficiency (MRD26). Also called: INTELLECTUAL DEVELOPMENTAL DISORDER, AUTOSOMAL DOMINANT 26. Identifiers: Orphanet 352490, MedGen C4014435, MONDO:0014361, OMIM 615834.

Submission:

New York Genome Center
Classification: Uncertain significance for Autism spectrum disorder due to AUTS2 deficiency. Last evaluated: 2021-03-05. Review status: criteria provided, single submitter. Criteria: NYGC Assertion Criteria 2020. Collection method: clinical testing. Allele origin: de novo. Observed: 1 heterozygote. Study: CSER-NYCKidSeq.
Comment: The de novo c.310-148390G>C variant identified in the AUTS2 gene (also called KIAA0442) substitutes a conserved Guanine for Cytosine within intron 1/18 in the canonical transcript (NM_015570). This variant is absent from gnomAD(v3.0), suggesting it is not a common benign variant in the populations represented in that database. In silico algorithms (SpliceAI, Transcript Inferred Pathogenicity (TraP) Score) do not predict this variant to significantly alter splicing. This variant is absent from ClinVar and to our current knowledge has not been reported in affected individuals in the literature. While it is de novo and absent in population databases, the lack of additional evidence for its pathogenicity results in its classification as a Variant of Uncertain Significance.

NM_015570.4(AUTS2):c.310-148390G>C

Gene: AUTS2 (activator of transcription and developmental regulator AUTS2; plus strand). Cytogenetic location: 7q11.22.
Variant type: single nucleotide variant.
Coding change: c.310-148390G>C on transcript NM_015570.4 (MANE Select); 148390 bases into the intron before coding-DNA position 310, G replaced by C.
Molecular consequence: intron variant.
Genome position (GRCh38, 1-based): chr7:69,750,896, G>C. VCF-style: chr7-69750896-G-C. GRCh37 (hg19) VCF-style: chr7-69215882-G-C.
Other names: c.310-148390G>C (NM_001127231.3, NM_001127232.3).
Identifiers: ClinVar variation 1342370 (VCV001342370.1), dbSNP rs1787711433, ClinGen allele CA2573052913.